The following is an entry in ClinVar:

NM_000548.5(TSC2):c.4880C>A (p.Thr1627Asn)

Gene: TSC2 (TSC complex subunit 2; plus strand). Cytogenetic location: 16p13.3.
Variant type: single nucleotide variant.
Coding change: c.4880C>A on transcript NM_000548.5 (MANE Select); coding-DNA position 4880, C replaced by A.
Protein change: p.Thr1627Asn; replaces threonine 1627 with asparagine.
Molecular consequence: missense variant.
Genome position (GRCh38, 1-based): chr16:2,086,762, C>A. VCF-style: chr16-2086762-C-A. GRCh37 (hg19) VCF-style: chr16-2136763-C-A.
Other names: c.4679C>A, p.Thr1560Asn (NM_001077183.3); c.4811C>A, p.Thr1604Asn (NM_001114382.3); c.4571C>A, p.Thr1524Asn (NM_001318827.2); c.4535C>A, p.Thr1512Asn (NM_001318829.2); c.4148C>A, p.Thr1383Asn (NM_001318831.2); c.4712C>A, p.Thr1571Asn (NM_001318832.2); c.4682C>A, p.Thr1561Asn (NM_001363528.2); c.4748C>A, p.Thr1583Asn (NM_001370404.1); and 1 more; short protein forms T1627N, T1524N, T1561N, T1604N, T1512N, T1571N, T1383N, T1560N.
Identifiers: ClinVar variation 468119 (VCV000468119.11), dbSNP rs1555438434, ClinGen allele CA394308333.

ClinVar aggregate classification (germline): Uncertain significance. Review status: criteria provided, multiple submitters, no conflicts (2 of 4 stars). 2 submissions from 2 submitters: Uncertain significance (2). Last evaluated 2022-03-23.

Conditions:
Hereditary cancer-predisposing syndrome. Also called: Hereditary neoplastic syndrome; Neoplastic Syndromes, Hereditary; Tumor predisposition; Hereditary Cancer Syndrome. Identifiers: Orphanet 140162, MedGen C0027672, MeSH D009386, MONDO:0015356.
Tuberous sclerosis 2 (TSC2). Identifiers: Orphanet 805, MedGen C1860707, MONDO:0013199, OMIM 613254.

Submissions (2):

Ambry Genetics
Classification: Uncertain significance for Hereditary cancer-predisposing syndrome. Last evaluated: 2022-03-23. Review status: criteria provided, single submitter. Criteria: Ambry Variant Classification Scheme 2023. Collection method: clinical testing. Allele origin: germline.
Comment: The p.T1627N variant (also known as c.4880C>A), located in coding exon 37 of the TSC2 gene, results from a C to A substitution at nucleotide position 4880. The threonine at codon 1627 is replaced by asparagine, an amino acid with similar properties. This amino acid position is conserved. In addition, the in silico prediction for this alteration is inconclusive. Since supporting evidence is limited at this time, the clinical significance of this alteration remains unclear.

Labcorp Genetics (formerly Invitae), Labcorp
Classification: Uncertain significance for Tuberous sclerosis 2. Last evaluated: 2017-06-10. Review status: criteria provided, single submitter. Criteria: Invitae Variant Classification Sherloc (09022015). Collection method: clinical testing. Allele origin: germline.
Comment: This variant has not been reported in the literature in individuals with a TSC2-related disease. In summary, this variant has uncertain impact on TSC2 function. The available evidence is currently insufficient to determine its role in disease. Therefore, it has been classified as a Variant of Uncertain Significance. Algorithms developed to predict the effect of missense changes on protein structure and function do not agree on the potential impact of this missense change (SIFT: "Tolerated"; PolyPhen-2: "Probably Damaging"; Align-GVGD: "Class C0"). This variant is not present in population databases (ExAC no frequency). This sequence change replaces threonine with asparagine at codon 1627 of the TSC2 protein (p.Thr1627Asn). The threonine residue is moderately conserved and there is a small physicochemical difference between threonine and asparagine.